The following is an entry in ClinVar:

NM_016333.4(SRRM2):c.491C>T (p.Ala164Val)

Genes: SRRM2 (serine/arginine repetitive matrix 2; plus strand), LOC126862261 (BRD4-independent group 4 enhancer GRCh37_chr16:2807529-2808728; plus strand). Cytogenetic location: 16p13.3.
Variant type: single nucleotide variant.
Coding change: c.491C>T on transcript NM_016333.4 (MANE Select); coding-DNA position 491, C replaced by T.
Protein change: p.Ala164Val; replaces alanine 164 with valine.
Molecular consequence: missense variant.
Genome position (GRCh38, 1-based): chr16:2,757,921, C>T. VCF-style: chr16-2757921-C-T. GRCh37 (hg19) VCF-style: chr16-2807922-C-T.
Other names: short protein forms A164V.
Identifiers: ClinVar variation 4872111 (VCV004872111.2).
Genomic context (GRCh38, chr16:2,757,921, plus strand): 5'-CTTACGTAGATGGCAGCTCTTTTGATCCTCAGCGTCGTGCCCGAGAAGCTAAACAACCAG[C>T]TCCTGAGCCTCCCAAACCTTACAGGTATACAAGGCCAAGAAACCACTGTCAGCTTCTTTT-3'
Protein context (NP_057417.3, residues 154-174): QRRAREAKQP[Ala164Val]PEPPKPYSLV

ClinVar aggregate classification (germline): Likely benign (1 of 4 stars; one submission).

gnomAD v4.1: 312 of 1,614,118 alleles (0.019%); highest among the groups gnomAD compares: African/African-American, 0.25%; no homozygotes.

Submission:

CeGaT Center for Human Genetics Tuebingen
Classification: Likely benign. Last evaluated: 2026-05-01. Review status: criteria provided, single submitter. Criteria: CeGaT Center For Human Genetics Tuebingen Variant Classification Criteria Version 2. Collection method: clinical testing. Allele origin: germline. Affected: yes. Observed: 1 variant allele.
Comment: SRRM2: BP4, BS1